The following is an entry in ClinVar:

NM_000245.4(MET):c.3496C>T (p.Arg1166Ter)

Gene: MET (MET proto-oncogene, receptor tyrosine kinase; plus strand). Cytogenetic location: 7q31.2.
Variant type: single nucleotide variant.
Coding change: c.3496C>T on transcript NM_000245.4 (MANE Select); coding-DNA position 3496, C replaced by T.
Protein change: p.Arg1166Ter; replaces arginine 1166 with a stop codon.
Molecular consequence: nonsense.
Genome position (GRCh38, 1-based): chr7:116,778,931, C>T. VCF-style: chr7-116778931-C-T. GRCh37 (hg19) VCF-style: chr7-116418985-C-T.
Other names: c.3550C>T, p.Arg1184Ter (NM_001127500.3); c.2206C>T, p.Arg736Ter (NM_001324402.2); short protein forms R1166*, R1184*, R736*.
Identifiers: ClinVar variation 947033 (VCV000947033.12), dbSNP rs1795073205, ClinGen allele CA368990303.

ClinVar aggregate classification (germline): Uncertain significance. Review status: criteria provided, multiple submitters, no conflicts (2 of 4 stars). 3 submissions from 3 submitters: Uncertain significance (3). Last evaluated 2025-10-09.

Conditions:
Hereditary cancer-predisposing syndrome. Also called: Hereditary neoplastic syndrome; Neoplastic Syndromes, Hereditary; Tumor predisposition; Hereditary Cancer Syndrome. Identifiers: Orphanet 140162, MedGen C0027672, MeSH D009386, MONDO:0015356.
Renal cell carcinoma. Identifiers: Orphanet 217071, MedGen C0007134, MeSH D002292, MONDO:0005086, HP:0005584.

Submissions (3):

Labcorp Genetics (formerly Invitae), Labcorp
Classification: Uncertain significance for Renal cell carcinoma. Last evaluated: 2025-10-09. Review status: criteria provided, single submitter. Criteria: Invitae Variant Classification Sherloc (09022015). Collection method: clinical testing. Allele origin: germline.
Comment: This sequence change creates a premature translational stop signal (p.Arg1184*) in the MET gene. It is expected to result in an absent or disrupted protein product. However, the current clinical and genetic evidence is not sufficient to establish whether loss-of-function variants in MET cause disease. This variant is not present in population databases (gnomAD no frequency). This variant has not been reported in the literature in individuals affected with MET-related conditions. ClinVar contains an entry for this variant (Variation ID: 947033). Algorithms developed to predict the effect of sequence changes on RNA splicing suggest that this variant may disrupt the consensus splice site. In summary, the available evidence is currently insufficient to determine the role of this variant in disease. Therefore, it has been classified as a Variant of Uncertain Significance.

Ambry Genetics
Classification: Uncertain significance for Hereditary cancer-predisposing syndrome. Last evaluated: 2025-06-20. Review status: criteria provided, single submitter. Criteria: Ambry Variant Classification Scheme 2023. Collection method: clinical testing. Allele origin: germline.
Comment: The p.R1184* variant (also known as c.3550C>T), located in coding exon 16 of the MET gene, results from a C to T substitution at nucleotide position 3550. This changes the amino acid from an arginine to a stop codon within coding exon 16. This alteration is expected to result in premature protein truncation or nonsense-mediated mRNA decay. However, loss of function of MET has not been established as a mechanism of disease. Since supporting evidence is limited at this time, the clinical significance of this alteration remains unclear.

GeneDx
Classification: Uncertain significance. Last evaluated: 2024-08-16. Review status: criteria provided, single submitter. Criteria: GeneDx Variant Classification Process June 2021. Collection method: clinical testing. Allele origin: germline. Affected: yes.
Comment: Not observed at significant frequency in large population cohorts (gnomAD); Nonsense variant predicted to result in protein truncation or nonsense mediated decay in a gene or region of a gene for which loss of function is not a well-established mechanism of disease; Has not been previously published as pathogenic or benign to our knowledge